The following is an entry in ClinVar:

ClinVar aggregate classification (germline): Uncertain significance. Review status: criteria provided, multiple submitters, no conflicts (2 of 4 stars). 2 submissions from 2 submitters: Uncertain significance (2). Last evaluated 2024-08-12.

Conditions:
Inborn genetic diseases. Identifiers: MedGen C0950123, MeSH D030342.
STING-associated vasculopathy with onset in infancy. Also called: Sting-associated vasculopathy, infantile-onset. Identifiers: Orphanet 425120, MedGen C4014722, MONDO:0014405, OMIM 615934.

Allele frequency attached by ClinVar (database versions not stated): gnomAD exomes 0.00001 and 0.00002; TOPMed below 0.00001; ExAC 0.00001.
gnomAD v4.1: 10 of 1,614,166 alleles (0.00062%); highest among the groups gnomAD compares: Admixed American, 0.013%; no homozygotes.

Submissions (2):

Labcorp Genetics (formerly Invitae), Labcorp
Classification: Uncertain significance for STING-associated vasculopathy with onset in infancy. Last evaluated: 2024-08-12. Review status: criteria provided, single submitter. Criteria: Invitae Variant Classification Sherloc (09022015). Collection method: clinical testing. Allele origin: germline.
Comment: This sequence change replaces aspartic acid, which is acidic and polar, with glycine, which is neutral and non-polar, at codon 223 of the TMEM173 protein (p.Asp223Gly). This variant is present in population databases (rs746097569, gnomAD 0.02%). This variant has not been reported in the literature in individuals affected with TMEM173-related conditions. ClinVar contains an entry for this variant (Variation ID: 852656). Advanced modeling of protein sequence and biophysical properties (such as structural, functional, and spatial information, amino acid conservation, physicochemical variation, residue mobility, and thermodynamic stability) performed at Invitae indicates that this missense variant is not expected to disrupt TMEM173 protein function with a negative predictive value of 80%. In summary, the available evidence is currently insufficient to determine the role of this variant in disease. Therefore, it has been classified as a Variant of Uncertain Significance.

Ambry Genetics
Classification: Uncertain significance for Inborn genetic diseases. Last evaluated: 2022-04-12. Review status: criteria provided, single submitter. Criteria: Ambry Variant Classification Scheme 2023. Collection method: clinical testing. Allele origin: germline.

NM_198282.4(STING1):c.668A>G (p.Asp223Gly)

Gene: STING1 (stimulator of interferon response cGAMP interactor 1; minus strand). Cytogenetic location: 5q31.2.
Variant type: single nucleotide variant.
Coding change: c.668A>G on transcript NM_198282.4 (MANE Select); coding-DNA position 668, A replaced by G.
Protein change: p.Asp223Gly; replaces aspartic acid 223 with glycine.
Molecular consequence: missense variant.
Genome position (GRCh38, 1-based): chr5:139,478,361, T>C on the plus strand (A>G on the coding strand, the complement: STING1 is on the minus strand). VCF-style: chr5-139478361-T-C. GRCh37 (hg19) VCF-style: chr5-138857946-T-C.
Other names: c.668A>G, p.Asp223Gly (NM_001301738.2); c.311A>G, p.Asp104Gly (NM_001367258.1); c.668A>G (NM_198282.2); short protein forms D223G, D104G.
Identifiers: ClinVar variation 852656 (VCV000852656.11), dbSNP rs746097569, ClinGen allele CA3435349.